The following is an entry in ClinVar:

ClinVar aggregate classification (germline): Uncertain significance (1 of 4 stars; one submission).

Conditions:
Familial thoracic aortic aneurysm and aortic dissection (TAAD). Also called: Thoracic aortic aneurysms and dissections. Identifiers: Orphanet 91387, MedGen C4707243, MONDO:0019625.

Allele frequency attached by ClinVar (database versions not stated): TOPMed below 0.00001; gnomAD 0.00001; ESP Exome Variant Server 0.00008.

Submission:

Ambry Genetics
Classification: Uncertain significance for Familial thoracic aortic aneurysm and aortic dissection. Last evaluated: 2016-09-28. Review status: criteria provided, single submitter. Criteria: Ambry Variant Classification Scheme 2023. Collection method: clinical testing. Allele origin: germline.
Comment: The p.Q1018* variant (also known as c.3052C>T), located in coding exon 15 of the MYLK gene, results from a C to T substitution at nucleotide position 3052. This changes the amino acid from a glutamine to a stop codon within coding exon 15. This variant was previously reported in the SNPDatabase as rs377568543. Based on data from the NHLBI Exome Sequencing Project (ESP), the T allele has an overall frequency of approximately 0.01% (1/13006) total alleles studied and 0.01% (1/8600) European American alleles. This deleted position is poorly conserved in available vertebrate species. This alteration is expected to result in loss of function by premature protein truncation or nonsense-mediated mRNA decay. However, loss of function in MYLK has not been clearly established as a mechanism of disease. Since supporting evidence is limited at this time, the clinical significance of this alteration remains unclear.

NM_053025.4(MYLK):c.3052C>T (p.Gln1018Ter)

Gene: MYLK (myosin light chain kinase; minus strand). Cytogenetic location: 3q21.1.
Variant type: single nucleotide variant.
Coding change: c.3052C>T on transcript NM_053025.4 (MANE Select); coding-DNA position 3052, C replaced by T.
Protein change: p.Gln1018Ter; replaces glutamine 1018 with a stop codon.
Molecular consequence: nonsense.
Genome position (GRCh38, 1-based): chr3:123,700,416, G>A on the plus strand (C>T on the coding strand, the complement: MYLK is on the minus strand). VCF-style: chr3-123700416-G-A. GRCh37 (hg19) VCF-style: chr3-123419263-G-A.
Other names: c.2524C>T, p.Gln842Ter (NM_001321309.2); c.2845C>T, p.Gln949Ter (NM_053026.4, NM_053028.4); c.3052C>T, p.Gln1018Ter (NM_053027.4); short protein forms Q1018*, Q842*, Q949*.
Identifiers: ClinVar variation 519993 (VCV000519993.5), dbSNP rs377568543, ClinGen allele CA82924821.